The following is an entry in ClinVar:

ClinVar aggregate classification (germline): Likely pathogenic (1 of 4 stars; one submission).

Conditions:
Primary ciliary dyskinesia 33. Also called: CILIARY DYSKINESIA, PRIMARY, 33, WITHOUT SITUS INVERSUS. Identifiers: Orphanet 244, MedGen C4225230, MONDO:0014750, OMIM 616726.

Submission:

Labcorp Genetics (formerly Invitae), Labcorp
Classification: Likely pathogenic for Primary ciliary dyskinesia 33. Last evaluated: 2025-02-16. Review status: criteria provided, single submitter. Criteria: Invitae Variant Classification Sherloc (09022015). Collection method: clinical testing. Allele origin: germline.
Comment: This sequence change affects a splice site in intron 7 of the GAS8 gene. It is expected to disrupt RNA splicing. Variants that disrupt the donor or acceptor splice site typically lead to a loss of protein function (PMID: 16199547), and loss-of-function variants in GAS8 are known to be pathogenic (PMID: 26387594). This variant is not present in population databases (gnomAD no frequency). This variant has not been reported in the literature in individuals affected with GAS8-related conditions. Algorithms developed to predict the effect of sequence changes on RNA splicing suggest that this variant may disrupt the consensus splice site. In summary, the currently available evidence indicates that the variant is pathogenic, but additional data are needed to prove that conclusively. Therefore, this variant has been classified as Likely Pathogenic.

Literature cited by the submitters: PubMed 16199547; PubMed 26387594.

NM_001481.3(DRC4):c.924+2_924+3del

Gene: DRC4 (dynein regulatory complex subunit 4; plus strand). Cytogenetic location: 16q24.3.
Variant type: Microsatellite.
Coding change: c.924+2_924+3del on transcript NM_001481.3 (MANE Select); the canonical splice donor site of the intron after coding-DNA position 924 through 3 bases into the intron after coding-DNA position 924, 2 bases deleted (TG; older notation c.924+2_924+3delTG).
Molecular consequence: splice donor variant.
Genome position (GRCh38, 1-based): chr16:90,037,401-90,037,402, TG deleted; deleting any 2 consecutive bases within chr16:90,037,399-90,037,402 gives the same sequence; the c. name uses the placement nearest the transcript's 3' end. VCF-style (leftmost placement, unchanged base first): chr16-90037398-TTG-T. GRCh37 (hg19) VCF-style: chr16-90103806-TTG-T.
Other names: c.849+2_849+3del (NM_001286209.2); c.675+2_675+3del (NM_001286205.2); c.348+2_348+3del (NM_001286208.2).
Identifiers: ClinVar variation 4791533 (VCV004791533.1).